The following is an entry in ClinVar:

NM_020975.6(RET):c.3289G>A (p.Ala1097Thr)

Gene: RET (ret proto-oncogene; plus strand). Cytogenetic location: 10q11.21.
Variant type: single nucleotide variant.
Coding change: c.3289G>A on transcript NM_020975.6 (MANE Select); coding-DNA position 3289, G replaced by A.
Protein change: p.Ala1097Thr; replaces alanine 1097 with threonine.
Molecular consequence: missense variant.
Genome position (GRCh38, 1-based): chr10:43,128,213, G>A. VCF-style: chr10-43128213-G-A. GRCh37 (hg19) VCF-style: chr10-43623661-G-A.
Other names: short protein forms A1097T.
Identifiers: ClinVar variation 823434 (VCV000823434.4), dbSNP rs1588881946, ClinGen allele CA376559152.

ClinVar aggregate classification (germline): Uncertain significance (1 of 4 stars; one submission).

Conditions:
Hereditary cancer-predisposing syndrome. Also called: Tumor predisposition; Hereditary Cancer Syndrome; Neoplastic Syndromes, Hereditary; Hereditary neoplastic syndrome. Identifiers: Orphanet 140162, MedGen C0027672, MeSH D009386, MONDO:0015356.

Submission:

Ambry Genetics
Classification: Uncertain significance for Hereditary cancer-predisposing syndrome. Last evaluated: 2018-09-17. Review status: criteria provided, single submitter. Criteria: Ambry Variant Classification Scheme 2023. Collection method: clinical testing. Allele origin: germline.
Comment: The p.A1097T variant (also known as c.3289G>A), located in coding exon 20 of the RET gene, results from a G to A substitution at nucleotide position 3289. The alanine at codon 1097 is replaced by threonine, an amino acid with similar properties. This amino acid position is highly conserved in available vertebrate species. In addition, the in silico prediction for this alteration is inconclusive. Since supporting evidence is limited at this time, the clinical significance of this alteration remains unclear.